The following is an entry in ClinVar:

NM_000051.4(ATM):c.642del (p.Lys215fs)

Gene: ATM (ATM serine/threonine kinase; plus strand). Cytogenetic location: 11q22.3.
Variant type: Deletion.
Coding change: c.642del on transcript NM_000051.4 (MANE Select); coding-DNA position 642, one base deleted (C; older notation c.642delC).
Protein change: p.Lys215fs; shifts the reading frame from lysine 215.
Molecular consequence: frameshift variant.
Genome position (GRCh38, 1-based): chr11:108,244,098, C deleted; the last of 2 consecutive C bases (chr11:108,244,097-108,244,098); deleting either gives the same sequence. VCF-style (leftmost placement, unchanged base first): chr11-108244096-TC-T. GRCh37 (hg19) VCF-style: chr11-108114823-TC-T.
Other names: c.642delC (NM_000051.3); c.642del, p.Lys215fs (NM_001351834.2); short protein forms K215fs.
Identifiers: ClinVar variation 233295 (VCV000233295.10), dbSNP rs876660315, ClinGen allele CA10578969.

ClinVar aggregate classification (germline): Pathogenic. Review status: criteria provided, multiple submitters, no conflicts (2 of 4 stars). 3 submissions from 3 submitters: Pathogenic (3). Last evaluated 2024-01-09.

Conditions:
Hereditary cancer-predisposing syndrome. Also called: Tumor predisposition; Hereditary Cancer Syndrome; Hereditary neoplastic syndrome; Neoplastic Syndromes, Hereditary. Identifiers: Orphanet 140162, MedGen C0027672, MeSH D009386, MONDO:0015356.
Familial cancer of breast. Also called: hereditary breast carcinoma; BREAST CANCER, FAMILIAL; Hereditary breast cancer. Identifiers: Orphanet 227535, MedGen C0346153, MONDO:0016419, OMIM 114480. Disease mechanism: loss of function.
Ataxia-telangiectasia syndrome (AT). Also called: Ataxia telangiectasia (A-T); LOUIS-BAR SYNDROME; Cerebello-oculocutaneous telangiectasia; Immunodeficiency with ataxia telangiectasia; ATAXIA-TELANGIECTASIA, COMPLEMENTATION GROUP A; ATAXIA-TELANGIECTASIA, FRESNO VARIANT. Identifiers: Orphanet 100, MedGen C0004135, MONDO:0008840, OMIM 208900.

Submissions (3):

Myriad Genetics, Inc.
Classification: Pathogenic for Familial cancer of breast. Last evaluated: 2024-01-09. Review status: criteria provided, single submitter. Criteria: Myriad Autosomal Dominant, Autosomal Recessive and X-Linked Classification Criteria (2023). Collection method: clinical testing. Allele origin: unknown.
Comment: This variant is considered pathogenic. This variant creates a frameshift predicted to result in premature protein truncation.

Labcorp Genetics (formerly Invitae), Labcorp
Classification: Pathogenic for Ataxia-telangiectasia syndrome. Last evaluated: 2022-12-05. Review status: criteria provided, single submitter. Criteria: Invitae Variant Classification Sherloc (09022015). Collection method: clinical testing. Allele origin: germline.
Comment: For these reasons, this variant has been classified as Pathogenic. ClinVar contains an entry for this variant (Variation ID: 233295). This variant has not been reported in the literature in individuals affected with ATM-related conditions. This variant is not present in population databases (gnomAD no frequency). This sequence change creates a premature translational stop signal (p.Lys215Argfs*15) in the ATM gene. It is expected to result in an absent or disrupted protein product. Loss-of-function variants in ATM are known to be pathogenic (PMID: 23807571, 25614872).

Ambry Genetics
Classification: Pathogenic for Hereditary cancer-predisposing syndrome. Last evaluated: 2015-08-03. Review status: criteria provided, single submitter. Criteria: Ambry Variant Classification Scheme 2023. Collection method: clinical testing. Allele origin: germline.
Comment: The c.642delC pathogenic mutation, located in coding exon 5 of the ATM gene, results from a deletion of one nucleotide at nucleotide position 642, causing a translational frameshift with a predicted alternate stop codon. Since frameshifts are typically deleterious in nature, this alteration is interpreted as a disease-causing mutation (ACMG Recommendations for Standards for Interpretation and Reporting of Sequence Variations. Revision 2007. Genet Med. 2008;10:294).

Literature cited by the submitters: PubMed 23807571 (cited by Labcorp Genetics (formerly Invitae), Labcorp); PubMed 25614872 (cited by Labcorp Genetics (formerly Invitae), Labcorp).